The following is an entry in ClinVar:

NM_000238.4(KCNH2):c.1704G>C (p.Trp568Cys)

Gene: KCNH2 (potassium voltage-gated channel subfamily H member 2; minus strand). Cytogenetic location: 7q36.1.
Variant type: single nucleotide variant.
Coding change: c.1704G>C on transcript NM_000238.4 (MANE Select); coding-DNA position 1704, G replaced by C.
Protein change: p.Trp568Cys; replaces tryptophan 568 with cysteine.
Molecular consequence: missense variant.
Genome position (GRCh38, 1-based): chr7:150,951,689, C>G on the plus strand (G>C on the coding strand, the complement: KCNH2 is on the minus strand). VCF-style: chr7-150951689-C-G. GRCh37 (hg19) VCF-style: chr7-150648777-C-G.
Other names: c.1704G>C (LRG_288t1); c.684G>C, p.Trp228Cys (NM_001204798.2, NM_172057.3); c.1416G>C, p.Trp472Cys (NM_001406753.1, NM_001406756.1); c.1527G>C, p.Trp509Cys (NM_001406755.1); c.1404G>C, p.Trp468Cys (NM_001406757.1); c.1704G>C, p.Trp568Cys (NM_172056.3); short protein forms W228C, W568C, W472C, W468C, W509C.
Identifiers: ClinVar variation 67243 (VCV000067243.8), dbSNP rs199472926, ClinGen allele CA005198.

ClinVar aggregate classification (germline): Likely pathogenic. Review status: criteria provided, single submitter (1 of 4 stars). 2 submissions from 2 submitters: Likely pathogenic (1). 1 of the submissions does not count toward it. Last evaluated 2022-02-04.

Conditions:
Familial long QT syndrome (RWS). Also called: Congenital long QT syndrome; Romano-Ward syndrome; VENTRICULAR FIBRILLATION WITH PROLONGED QT INTERVAL. Identifiers: Orphanet 768, MedGen C1141890, MONDO:0019171.
Long QT syndrome (LQTS). Identifiers: MedGen C0023976, MeSH D008133, MONDO:0002442. Disease mechanism: loss of function. Inheritance: Various modes of inheritance.

Submissions (2):

Labcorp Genetics (formerly Invitae), Labcorp
Classification: Likely pathogenic for Long QT syndrome. Last evaluated: 2022-02-04. Review status: criteria provided, single submitter. Criteria: Invitae Variant Classification Sherloc (09022015). Collection method: clinical testing. Allele origin: germline.
Comment: In summary, the currently available evidence indicates that the variant is pathogenic, but additional data are needed to prove that conclusively. Therefore, this variant has been classified as Likely Pathogenic. Experimental studies have shown that this missense change affects KCNH2 function (PMID: 25417810). Algorithms developed to predict the effect of missense changes on protein structure and function (SIFT, PolyPhen-2, Align-GVGD) all suggest that this variant is likely to be disruptive. ClinVar contains an entry for this variant (Variation ID: 67243). This missense change has been observed in individuals with long QT syndrome (PMID: 11222472, 16265869, 17905336; Invitae). It has also been observed to segregate with disease in related individuals. This variant is not present in population databases (gnomAD no frequency). This sequence change replaces tryptophan, which is neutral and slightly polar, with cysteine, which is neutral and slightly polar, at codon 568 of the KCNH2 protein (p.Trp568Cys).

Cardiovascular Biomedical Research Unit, Royal Brompton & Harefield NHS Foundation Trust
No classification provided. Condition: Familial long QT syndrome. Review status: no classification provided. Collection method: literature only. Allele origin: germline. Not counted in ClinVar's aggregate classification.
Comment: This variant has been reported as associated with Long QT syndrome in the following publications (PMID:16265869;PMID:17224687;PMID:17905336). This is a literature report, and does not necessarily reflect the clinical interpretation of the Imperial College / Royal Brompton Cardiovascular Genetics laboratory.

Literature cited by the submitters: PubMed 25417810 (cited by Labcorp Genetics (formerly Invitae), Labcorp); PubMed 11222472 (cited by Labcorp Genetics (formerly Invitae), Labcorp); PubMed 16265869 (cited by Labcorp Genetics (formerly Invitae), Labcorp and Cardiovascular Biomedical Research Unit, Royal Brompton & Harefield NHS Foundation Trust); PubMed 17905336 (cited by Labcorp Genetics (formerly Invitae), Labcorp and Cardiovascular Biomedical Research Unit, Royal Brompton & Harefield NHS Foundation Trust); PubMed 17224687 (cited by Cardiovascular Biomedical Research Unit, Royal Brompton & Harefield NHS Foundation Trust); PubMed 22581653 (cited by Cardiovascular Biomedical Research Unit, Royal Brompton & Harefield NHS Foundation Trust).